The following is an entry in ClinVar:

ClinVar aggregate classification (germline): Uncertain significance. Review status: criteria provided, multiple submitters, no conflicts (2 of 4 stars). 2 submissions from 2 submitters: Uncertain significance (2). Last evaluated 2024-08-04.

Allele frequency attached by ClinVar (database versions not stated): ExAC 0.00013; ESP Exome Variant Server 0.00015; gnomAD exomes 0.00018; 1000 Genomes Project 0.00020; TOPMed 0.00025; 1000 Genomes Project 30x 0.00031.
gnomAD v4.1: 334 of 1,613,988 alleles (0.021%); highest among the groups gnomAD compares: Middle Eastern, 0.066%; no homozygotes.

Submissions (2):

Ambry Genetics
Classification: Uncertain significance. Last evaluated: 2024-08-04. Review status: criteria provided, single submitter. Criteria: Ambry Variant Classification Scheme 2023. Collection method: clinical testing. Allele origin: germline.

Labcorp Genetics (formerly Invitae), Labcorp
Classification: Uncertain significance. Last evaluated: 2023-11-27. Review status: criteria provided, single submitter. Criteria: Invitae Variant Classification Sherloc (09022015). Collection method: clinical testing. Allele origin: germline.
Comment: This sequence change replaces phenylalanine, which is neutral and non-polar, with tyrosine, which is neutral and polar, at codon 741 of the LOXL3 protein (p.Phe741Tyr). This variant is present in population databases (rs374373616, gnomAD 0.06%). This variant has not been reported in the literature in individuals affected with LOXL3-related conditions. ClinVar contains an entry for this variant (Variation ID: 1521276). An algorithm developed to predict the effect of missense changes on protein structure and function (PolyPhen-2) suggests that this variant¬†is likely to be tolerated. Algorithms developed to predict the effect of sequence changes on RNA splicing suggest that this variant may create or strengthen a splice site. In summary, the available evidence is currently insufficient to determine the role of this variant in disease. Therefore, it has been classified as a Variant of Uncertain Significance.

NM_032603.5(LOXL3):c.2222T>A (p.Phe741Tyr)

Gene: LOXL3 (lysyl oxidase like 3; minus strand). Cytogenetic location: 2p13.1.
Variant type: single nucleotide variant.
Coding change: c.2222T>A on transcript NM_032603.5 (MANE Select); coding-DNA position 2222, T replaced by A.
Protein change: p.Phe741Tyr; replaces phenylalanine 741 with tyrosine.
Molecular consequence: missense variant.
Genome position (GRCh38, 1-based): chr2:74,533,646, A>T on the plus strand (T>A on the coding strand, the complement: LOXL3 is on the minus strand). VCF-style: chr2-74533646-A-T. GRCh37 (hg19) VCF-style: chr2-74760773-A-T.
Other names: c.1787T>A, p.Phe596Tyr (NM_001289164.3); c.1139T>A, p.Phe380Tyr (NM_001289165.2); c.2222T>A (NM_032603.2); short protein forms F741Y, F380Y, F596Y.
Identifiers: ClinVar variation 1521276 (VCV001521276.5), dbSNP rs374373616, ClinGen allele CA1728662.